The following is an entry in ClinVar:

ClinVar aggregate classification (germline): Uncertain significance. Review status: criteria provided, multiple submitters, no conflicts (2 of 4 stars). 6 submissions from 6 submitters: Uncertain significance (6). Last evaluated 2024-09-19.

Conditions:
Pheochromocytoma/paraganglioma syndrome 3. Also called: GLOMUS TUMORS, FAMILIAL, 3; SDHC-Related Hereditary Paraganglioma-Pheochromocytoma Syndrome; Paragangliomas 3; SDHC-Related Hereditary Paraganglioma-Pheochromocytoma Syndrome (Paragangliomas 3). Identifiers: Orphanet 29072, MedGen C1854336, MONDO:0011544, OMIM 605373.
Gastrointestinal stromal tumor. Also called: Gastrointestinal stromal tumor, somatic; Gastrointestinal stroma tumor. Identifiers: Orphanet 44890, MedGen C0238198, MeSH D046152, MONDO:0011719, OMIM 606764, HP:0100723.
Carney-Stratakis syndrome. Also called: PARAGANGLIOMA AND GASTROINTESTINAL STROMAL TUMOR. Identifiers: Orphanet 97286, MedGen C1847319, MONDO:0011740, OMIM 606864.
Hereditary pheochromocytoma and paraganglioma. Also called: Hereditary pheochromocytoma-paraganglioma; Hereditary Paraganglioma-Pheochromocytoma Syndromes; Hereditary paragangliomas and pheochromocytomas. Identifiers: Orphanet 29072, MedGen C4274332, MONDO:0017366.
Hereditary cancer-predisposing syndrome. Also called: Hereditary neoplastic syndrome; Neoplastic Syndromes, Hereditary; Hereditary Cancer Syndrome; Tumor predisposition. Identifiers: Orphanet 140162, MedGen C0027672, MeSH D009386, MONDO:0015356.

Submissions (6):

Labcorp Genetics (formerly Invitae), Labcorp
Classification: Uncertain significance for Pheochromocytoma/paraganglioma syndrome 3; Gastrointestinal stromal tumor. Last evaluated: 2024-09-19. Review status: criteria provided, single submitter. Criteria: Invitae Variant Classification Sherloc (09022015). Collection method: clinical testing. Allele origin: germline.
Comment: This sequence change replaces lysine, which is basic and polar, with arginine, which is basic and polar, at codon 141 of the SDHC protein (p.Lys141Arg). This variant is not present in population databases (gnomAD no frequency). This variant has not been reported in the literature in individuals affected with SDHC-related conditions. ClinVar contains an entry for this variant (Variation ID: 570359). An algorithm developed to predict the effect of missense changes on protein structure and function (PolyPhen-2) suggests that this variant is likely to be disruptive. In summary, the available evidence is currently insufficient to determine the role of this variant in disease. Therefore, it has been classified as a Variant of Uncertain Significance.

Fulgent Genetics
Classification: Uncertain significance for Pheochromocytoma/paraganglioma syndrome 3; Gastrointestinal stromal tumor; Carney-Stratakis syndrome. Last evaluated: 2024-06-18. Review status: criteria provided, single submitter. Criteria: ACMG Guidelines, 2015. Collection method: clinical testing. Allele origin: germline.

Ambry Genetics
Classification: Uncertain significance for Hereditary cancer-predisposing syndrome. Last evaluated: 2024-01-26. Review status: criteria provided, single submitter. Criteria: Ambry Variant Classification Scheme 2023. Collection method: clinical testing. Allele origin: germline.
Comment: The p.K141R variant (also known as c.422A>G), located in coding exon 6 of the SDHC gene, results from an A to G substitution at nucleotide position 422. The lysine at codon 141 is replaced by arginine, an amino acid with highly similar properties. This amino acid position is highly conserved in available vertebrate species. In addition, the in silico prediction for this alteration is inconclusive. Since supporting evidence is limited at this time, the clinical significance of this alteration remains unclear.

All of Us Research Program, National Institutes of Health
Classification: Uncertain significance for Hereditary pheochromocytoma and paraganglioma. Last evaluated: 2023-12-18. Review status: criteria provided, single submitter. Criteria: ACMG Guidelines, 2015. Collection method: clinical testing. Allele origin: germline. Inheritance: Autosomal dominant inheritance. Observed: 1 variant allele, 1 heterozygote.
Comment: This missense variant replaces lysine with arginine at codon 141 of the SDHC protein. Computational prediction is inconclusive regarding the impact of this variant on protein structure and function (internally defined REVEL score threshold 0.5 < inconclusive < 0.7, PMID: 27666373). To our knowledge, functional studies have not been reported for this variant. This variant has not been reported in individuals affected with SDHC-related disorders in the literature. This variant has not been identified in the general population by the Genome Aggregation Database (gnomAD). The available evidence is insufficient to determine the role of this variant in disease conclusively. Therefore, this variant is classified as a Variant of Uncertain Significance.

This study involves interpretation of variants in research participants for the purpose of population health screening. Participant phenotype was not available at the time of variant classification. Additional details can be found in publication PMID: 35346344, PMCID: PMC8962531

Baylor Genetics
Classification: Uncertain significance for Gastrointestinal stromal tumor. Last evaluated: 2023-12-13. Review status: criteria provided, single submitter. Criteria: ACMG Guidelines, 2015. Collection method: clinical testing. Allele origin: unknown.

GeneDx
Classification: Uncertain significance. Last evaluated: 2022-07-14. Review status: criteria provided, single submitter. Criteria: GeneDx Variant Classification Process June 2021. Collection method: clinical testing. Allele origin: germline. Affected: yes.
Comment: Not observed at significant frequency in large population cohorts (gnomAD); In silico analysis supports that this missense variant does not alter protein structure/function; Has not been previously published as pathogenic or benign to our knowledge

NM_003001.5(SDHC):c.422A>G (p.Lys141Arg)

Gene: SDHC (succinate dehydrogenase complex subunit C; plus strand). Cytogenetic location: 1q23.3.
Variant type: single nucleotide variant.
Coding change: c.422A>G on transcript NM_003001.5 (MANE Select); coding-DNA position 422, A replaced by G.
Protein change: p.Lys141Arg; replaces lysine 141 with arginine.
Molecular consequence: missense variant. On other transcripts: synonymous variant (3), non-coding transcript variant (1).
Genome position (GRCh38, 1-based): chr1:161,362,345, A>G. VCF-style: chr1-161362345-A-G. GRCh37 (hg19) VCF-style: chr1-161332135-A-G.
Other names: c.258A>G, p.Lys86= (NM_001035511.3); c.320A>G, p.Lys107Arg (NM_001035512.3); c.263A>G, p.Lys88Arg (NM_001035513.3); c.156A>G, p.Lys52= (NM_001278172.3); c.542A>G, p.Lys181Arg (NM_001407115.1); c.365A>G, p.Lys122Arg (NM_001407116.1); c.359A>G, p.Lys120Arg (NM_001407117.1); c.314A>G, p.Lys105Arg (NM_001407118.1); and 2 more; short protein forms K141R, K107R, K88R, K122R, K104R, K105R, K181R, K120R.
Identifiers: ClinVar variation 570359 (VCV000570359.16), dbSNP rs1558185879, ClinGen allele CA343457601.